The following is an entry in ClinVar:

ClinVar aggregate classification (germline): Uncertain significance. Review status: criteria provided, multiple submitters, no conflicts (2 of 4 stars). 4 submissions from 4 submitters: Uncertain significance (4). Last evaluated 2025-08-13.

Conditions:
Inborn genetic diseases. Identifiers: MedGen C0950123, MeSH D030342.
Leber congenital amaurosis 4 (LCA4). Identifiers: MedGen C1858386, MONDO:0011458, OMIM 604393.
AIPL1-related disorder. Also called: AIPL1-related condition; AIPL1-related disorders. Identifiers: MedGen CN239169.

Allele frequency attached by ClinVar (database versions not stated): gnomAD exomes 0.00001 and 0.00002; ExAC 0.00002; gnomAD 0.00003 and 0.00004; TOPMed 0.00003.
gnomAD v4.1: 41 of 1,614,072 alleles (0.0025%); highest among the groups gnomAD compares: East Asian, 0.022%; no homozygotes.

Submissions (4):

Ambry Genetics
Classification: Uncertain significance for Inborn genetic diseases. Last evaluated: 2025-08-13. Review status: criteria provided, single submitter. Criteria: Ambry Variant Classification Scheme 2023. Collection method: clinical testing. Allele origin: germline.

PreventionGenetics, part of Exact Sciences
Classification: Uncertain significance for AIPL1-related condition. Last evaluated: 2025-07-08. Review status: criteria provided, single submitter. Criteria: ACMG Guidelines, 2015. Collection method: clinical testing. Allele origin: germline.
Comment: The AIPL1 c.62C>T variant is predicted to result in the amino acid substitution p.Thr21Met. To our knowledge, this variant has not been reported in the literature. This variant is reported in 0.015% of alleles in individuals of East Asian descent in gnomAD. At this time, the clinical significance of this variant is uncertain due to the absence of conclusive functional and genetic evidence.

Blueprint Genetics
Classification: Uncertain significance. Last evaluated: 2024-10-28. Review status: criteria provided, single submitter. Criteria: ACMG Guidelines, 2015. Collection method: clinical testing. Allele origin: germline.

Labcorp Genetics (formerly Invitae), Labcorp
Classification: Uncertain significance for Leber congenital amaurosis 4. Last evaluated: 2022-09-06. Review status: criteria provided, single submitter. Criteria: Invitae Variant Classification Sherloc (09022015). Collection method: clinical testing. Allele origin: germline.
Comment: This sequence change replaces threonine, which is neutral and polar, with methionine, which is neutral and non-polar, at codon 21 of the AIPL1 protein (p.Thr21Met). This variant is present in population databases (rs376242937, gnomAD 0.02%). This variant has not been reported in the literature in individuals affected with AIPL1-related conditions. ClinVar contains an entry for this variant (Variation ID: 862332). Algorithms developed to predict the effect of missense changes on protein structure and function are either unavailable or do not agree on the potential impact of this missense change (SIFT: "Deleterious"; PolyPhen-2: "Benign"; Align-GVGD: "Class C0"). In summary, the available evidence is currently insufficient to determine the role of this variant in disease. Therefore, it has been classified as a Variant of Uncertain Significance.

NM_014336.5(AIPL1):c.62C>T (p.Thr21Met)

Gene: AIPL1 (AIP like 1 HSP90 co-chaperone; minus strand). Cytogenetic location: 17p13.2.
Variant type: single nucleotide variant.
Coding change: c.62C>T on transcript NM_014336.5 (MANE Select); coding-DNA position 62, C replaced by T.
Protein change: p.Thr21Met; replaces threonine 21 with methionine.
Molecular consequence: missense variant. On other transcripts: 5 prime UTR variant (1).
Genome position (GRCh38, 1-based): chr17:6,435,043, G>A on the plus strand (C>T on the coding strand, the complement: AIPL1 is on the minus strand). VCF-style: chr17-6435043-G-A. GRCh37 (hg19) VCF-style: chr17-6338363-G-A.
Other names: c.62C>T, p.Thr21Met (NM_001033054.3, NM_001033055.3, NM_001285399.3 and 3 more transcripts); c.-114C>T (NM_001285402.2); c.62C>T (NM_014336.3); short protein forms T21M.
Identifiers: ClinVar variation 862332 (VCV000862332.9), dbSNP rs376242937, ClinGen allele CA8328670.
Genomic context (GRCh38, chr17:6,435,043, plus strand): 5'-GTCTGCTCCGGAGGGGCCCCACTCACTCGGGATCCGGTGATGAAGTTTGGGAGCTCGCCC[G>A]TGCCCCCGTGCAGAATGGTTTTCTTGACCCCTTCCACGTTCAGGAGCAGAGCGGCATCCA-3'
Protein context (NP_055151.3, residues 11-31): GVKKTILHGG[Thr21Met]GELPNFITGS